The following is an entry in ClinVar:

ClinVar aggregate classification (germline): Uncertain significance. Review status: criteria provided, multiple submitters, no conflicts (2 of 4 stars). 3 submissions from 3 submitters: Uncertain significance (3). Last evaluated 2024-09-16.

Conditions:
Hereditary cancer-predisposing syndrome. Also called: Neoplastic Syndromes, Hereditary; Tumor predisposition; Hereditary neoplastic syndrome; Hereditary Cancer Syndrome. Identifiers: Orphanet 140162, MedGen C0027672, MeSH D009386, MONDO:0015356.
Hereditary nonpolyposis colorectal neoplasms. Identifiers: MedGen C0009405, MeSH D003123.

gnomAD v4.1: 1 of 1,614,054 alleles (0.000062%); no homozygotes.

Submissions (3):

Institute for Biomarker Research, Medical Diagnostic Laboratories, L.L.C.
Classification: Uncertain significance for Hereditary cancer-predisposing syndrome. Last evaluated: 2024-09-16. Review status: criteria provided, single submitter. Criteria: ACMG Guidelines, 2015. Collection method: clinical testing. Allele origin: germline.
Comment: The missense variant NM_001322014.2(PMS2):c.619G>C (p.Gly207Arg) has not been reported previously as a pathogenic variant nor as a benign variant, to our knowledge. The p.Gly207Arg variant is novel (not in any individuals) in gnomAD. The p.Gly207Arg variant is novel (not in any individuals) in 1kG. There is a moderate physicochemical difference between glycine and arginine. The p.Gly207Arg missense variant is predicted to be damaging by both SIFT and PolyPhen2. The nucleotide c.619 in PMS2 is predicted conserved by GERP++ and PhyloP across 100 vertebrates. For these reasons, this variant has been classified as Uncertain Significance.

Labcorp Genetics (formerly Invitae), Labcorp
Classification: Uncertain significance for Hereditary nonpolyposis colorectal neoplasms. Last evaluated: 2024-01-29. Review status: criteria provided, single submitter. Criteria: Invitae Variant Classification Sherloc (09022015). Collection method: clinical testing. Allele origin: germline.
Comment: This sequence change replaces glycine, which is neutral and non-polar, with arginine, which is basic and polar, at codon 207 of the PMS2 protein (p.Gly207Arg). This variant is not present in population databases (gnomAD no frequency). This variant has not been reported in the literature in individuals affected with PMS2-related conditions. ClinVar contains an entry for this variant (Variation ID: 826236). Advanced modeling of protein sequence and biophysical properties (such as structural, functional, and spatial information, amino acid conservation, physicochemical variation, residue mobility, and thermodynamic stability) performed at Invitae indicates that this missense variant is expected to disrupt PMS2 protein function with a positive predictive value of 80%. In summary, the available evidence is currently insufficient to determine the role of this variant in disease. Therefore, it has been classified as a Variant of Uncertain Significance.

Ambry Genetics
Classification: Uncertain significance for Hereditary cancer-predisposing syndrome. Last evaluated: 2019-11-14. Review status: criteria provided, single submitter. Criteria: Ambry Variant Classification Scheme 2023. Collection method: clinical testing. Allele origin: germline.
Comment: The p.G207R variant (also known as c.619G>C), located in coding exon 6 of the PMS2 gene, results from a G to C substitution at nucleotide position 619. The glycine at codon 207 is replaced by arginine, an amino acid with dissimilar properties. This amino acid position is well conserved in available vertebrate species. In addition, the in silico prediction for this alteration is inconclusive. Since supporting evidence is limited at this time, the clinical significance of this alteration remains unclear.

NM_000535.7(PMS2):c.619G>C (p.Gly207Arg)

Gene: PMS2 (PMS1 homolog 2, mismatch repair system component; minus strand). Cytogenetic location: 7p22.1.
Variant type: single nucleotide variant.
Coding change: c.619G>C on transcript NM_000535.7 (MANE Select); coding-DNA position 619, G replaced by C.
Protein change: p.Gly207Arg; replaces glycine 207 with arginine.
Molecular consequence: missense variant. On other transcripts: 5 prime UTR variant (2), non-coding transcript variant (1), intron variant (1).
Genome position (GRCh38, 1-based): chr7:5,999,194, C>G on the plus strand (G>C on the coding strand, the complement: PMS2 is on the minus strand). VCF-style: chr7-5999194-C-G. GRCh37 (hg19) VCF-style: chr7-6038825-C-G.
Other names: c.214G>C, p.Gly72Arg (NM_001322003.2, NM_001322004.2, NM_001322005.2 and 2 more transcripts); c.619G>C, p.Gly207Arg (NM_001322006.2, NM_001322014.2); c.301G>C, p.Gly101Arg (NM_001322007.2, NM_001322008.2); c.-315G>C (NM_001322011.2, NM_001322012.2); c.310G>C, p.Gly104Arg (NM_001322015.2); c.133-1771G>C (NM_001322013.2); short protein forms G101R, G104R, G72R, G207R.
Identifiers: ClinVar variation 826236 (VCV000826236.9), dbSNP rs368847322, ClinGen allele CA366743971.